The following is an entry in ClinVar:

ClinVar aggregate classification (germline): Uncertain significance (1 of 4 stars; one submission).

Submission:

Labcorp Genetics (formerly Invitae), Labcorp
Classification: Uncertain significance. Last evaluated: 2022-07-19. Review status: criteria provided, single submitter. Criteria: Invitae Variant Classification Sherloc (09022015). Collection method: clinical testing. Allele origin: germline.
Comment: This variant has not been reported in the literature in individuals affected with SBF1-related conditions. Information on the frequency of this variant in the gnomAD database is not available, as this variant may be reported differently in the database. This sequence change falls in intron 33 of the SBF1 gene. It does not directly change the encoded amino acid sequence of the SBF1 protein. It affects a nucleotide within the consensus splice site. ClinVar contains an entry for this variant (Variation ID: 1377390). In summary, the available evidence is currently insufficient to determine the role of this variant in disease. Therefore, it has been classified as a Variant of Uncertain Significance. Variants that disrupt the consensus splice site are a relatively common cause of aberrant splicing (PMID: 17576681, 9536098). Algorithms developed to predict the effect of sequence changes on RNA splicing suggest that this variant is not likely to affect RNA splicing.

Literature cited by the submitters: PubMed 17576681; PubMed 9536098.

NM_002972.4(SBF1):c.4554+6_4554+9delinsTGTA

Gene: SBF1 (SET binding factor 1; minus strand). Cytogenetic location: 22q13.33.
Variant type: Indel.
Coding change: c.4554+6_4554+9delinsTGTA on transcript NM_002972.4 (MANE Select); bases 6 to 9 of the intron after coding-DNA position 4554, CAGG replaced by TGTA.
Molecular consequence: intron variant.
Genome position (GRCh38, 1-based): chr22:50,455,215-50,455,218, CCTG replaced by TACA on the plus strand (CAGG replaced by TGTA on the coding strand, the reverse complement: SBF1 is on the minus strand). VCF-style: chr22-50455215-CCTG-TACA. GRCh37 (hg19) VCF-style: chr22-50893644-CCTG-TACA.
Other names: c.4479+6_4479+9delinsTGTA (NM_001365819.1).
Identifiers: ClinVar variation 1377390 (VCV001377390.6), dbSNP rs2148570334, ClinGen allele CA2573158270.